The following is an entry in ClinVar:

NM_002076.4(GNS):c.361A>G (p.Lys121Glu)

Gene: GNS (glucosamine (N-acetyl)-6-sulfatase; minus strand). Cytogenetic location: 12q14.3.
Variant type: single nucleotide variant.
Coding change: c.361A>G on transcript NM_002076.4 (MANE Select); coding-DNA position 361, A replaced by G.
Protein change: p.Lys121Glu; replaces lysine 121 with glutamic acid.
Molecular consequence: missense variant.
Genome position (GRCh38, 1-based): chr12:64,747,810, T>C on the plus strand (A>G on the coding strand, the complement: GNS is on the minus strand). VCF-style: chr12-64747810-T-C. GRCh37 (hg19) VCF-style: chr12-65141590-T-C.
Other names: short protein forms K121E.
Identifiers: ClinVar variation 1911660 (VCV001911660.4), dbSNP rs113295621, ClinGen allele CA385611008.
Genomic context (GRCh38, chr12:64,747,810, plus strand): 5'-CACACATTGATCTGAGAATTGCTGGGAAAGTATTTGGTTCTTGGATCTTCTGCCAGGACT[T>C]ACTACTGCAGTTCCCCTCCAGAGTGTTGTTCACAACGTGATGATTATGTGGGTACTTTCC-3'
Protein context (NP_002067.1, residues 111-131): NNTLEGNCSS[Lys121Glu]SWQKIQEPNT

ClinVar aggregate classification (germline): Uncertain significance (1 of 4 stars; one submission).

Conditions:
Mucopolysaccharidosis, MPS-III-D (MPS3D). Also called: N-ACETYLGLUCOSAMINE-6-SULFATASE DEFICIENCY; SANFILIPPO SYNDROME D; MPS III D; Mucopoly-saccharidosis type 3D; N-acetylglucosamine-6-sulfate sulfatase deficiency; MPS 3D. Identifiers: Orphanet 581, Orphanet 79272, MedGen C0086650, MONDO:0009658, OMIM 252940.

Allele frequency attached by ClinVar (database versions not stated): gnomAD exomes 0.00001.
gnomAD v4.1: 3 of 1,607,972 alleles (0.00019%); highest among the groups gnomAD compares: Non-Finnish European, 0.00026%; no homozygotes.

Submission:

Labcorp Genetics (formerly Invitae), Labcorp
Classification: Uncertain significance for Mucopolysaccharidosis, MPS-III-D. Last evaluated: 2024-10-25. Review status: criteria provided, single submitter. Criteria: Invitae Variant Classification Sherloc (09022015). Collection method: clinical testing. Allele origin: germline.
Comment: This sequence change replaces lysine, which is basic and polar, with glutamic acid, which is acidic and polar, at codon 121 of the GNS protein (p.Lys121Glu). This variant is not present in population databases (gnomAD no frequency). This variant has not been reported in the literature in individuals affected with GNS-related conditions. ClinVar contains an entry for this variant (Variation ID: 1911660). An algorithm developed to predict the effect of missense changes on protein structure and function (PolyPhen-2) suggests that this variant is likely to be tolerated. In summary, the available evidence is currently insufficient to determine the role of this variant in disease. Therefore, it has been classified as a Variant of Uncertain Significance.